The following is an entry in ClinVar:

NM_006941.4(SOX10):c.112G>A (p.Gly38Ser)

Genes: POLR2F (RNA polymerase II, I and III subunit F; plus strand), SOX10 (SRY-box transcription factor 10; minus strand). Cytogenetic location: 22q13.1.
Variant type: single nucleotide variant.
Coding change: c.112G>A on transcript NM_006941.4 (MANE Select); coding-DNA position 112, G replaced by A.
Protein change: p.Gly38Ser; replaces glycine 38 with serine.
Molecular consequence: missense variant. On other transcripts: intron variant (3).
Genome position (GRCh38, 1-based): chr22:37,983,673, C>T on the plus strand (G>A on the coding strand, the complement: SOX10 is on the minus strand). VCF-style: chr22-37983673-C-T. GRCh37 (hg19) VCF-style: chr22-38379680-C-T.
Other names: c.*38+11363C>T (NM_001363825.1); c.294-2481C>T (NM_001301130.2); c.293+16503C>T (NM_001301131.2); short protein forms G38S.
Identifiers: ClinVar variation 2608615 (VCV002608615.2), dbSNP rs2518052834, ClinGen allele CA411502077.

ClinVar aggregate classification (germline): Uncertain significance. Review status: criteria provided, multiple submitters, no conflicts (2 of 4 stars). 2 submissions from 2 submitters: Uncertain significance (2). Last evaluated 2025-09-28.

Conditions:
Inborn genetic diseases. Identifiers: MedGen C0950123, MeSH D030342.

Allele frequency attached by ClinVar (database versions not stated): gnomAD exomes below 0.00001.
gnomAD v4.1: 1 of 1,571,526 alleles (0.000064%); highest among the groups gnomAD compares: Non-Finnish European, 0.000086%; no homozygotes.

Submissions (2):

GeneDx
Classification: Uncertain significance. Last evaluated: 2025-09-28. Review status: criteria provided, single submitter. Criteria: GeneDx Variant Classification Process June 2021. Collection method: clinical testing. Allele origin: germline. Affected: yes.
Comment: Not observed at significant frequency in large population cohorts (gnomAD); In silico analysis suggests that this missense variant does not alter protein structure/function; Has not been previously published as pathogenic or benign to our knowledge

Ambry Genetics
Classification: Uncertain significance for Inborn genetic diseases. Last evaluated: 2023-06-29. Review status: criteria provided, single submitter. Criteria: Ambry Variant Classification Scheme 2023. Collection method: clinical testing. Allele origin: germline.